The following is an entry in ClinVar:

NM_004817.4(TJP2):c.984C>T (p.Phe328=)

Gene: TJP2 (tight junction protein 2; plus strand). Cytogenetic location: 9q21.11.
Variant type: single nucleotide variant.
Coding change: c.984C>T on transcript NM_004817.4 (MANE Select); coding-DNA position 984, C replaced by T.
Protein change: p.Phe328=; no amino-acid change (phenylalanine 328 retained).
Molecular consequence: synonymous variant.
Genome position (GRCh38, 1-based): chr9:69,225,335, C>T. VCF-style: chr9-69225335-C-T. GRCh37 (hg19) VCF-style: chr9-71840251-C-T.
Other names: c.984C>T, p.Phe328= (NM_201629.3, NM_001369872.1, NM_001369873.1); c.915C>T, p.Phe305= (NM_001170414.2, NM_001369870.1, NM_001369871.1); c.996C>T, p.Phe332= (NM_001170415.1, NM_001369874.1, NM_001369875.1); c.1077C>T, p.Phe359= (NM_001170416.2).
Identifiers: ClinVar variation 1306249 (VCV001306249.4), dbSNP rs1829255885, ClinGen allele CA465243187.

ClinVar aggregate classification (germline): Conflicting classifications of pathogenicity. Review status: criteria provided, conflicting classifications (1 of 4 stars). 2 submissions from 2 submitters: Uncertain significance (1); Likely benign (1). Last evaluated 2024-12-11.

Allele frequency attached by ClinVar (database versions not stated): TOPMed below 0.00001; gnomAD 0.00001; gnomAD exomes 0.00001.
gnomAD v4.1: 14 of 1,613,580 alleles (0.00087%); highest among the groups gnomAD compares: Admixed American, 0.0017%; no homozygotes.

Submissions (2):

Labcorp Genetics (formerly Invitae), Labcorp
Classification: Likely benign. Last evaluated: 2024-12-11. Review status: criteria provided, single submitter. Criteria: Invitae Variant Classification Sherloc (09022015). Collection method: clinical testing. Allele origin: germline.

GeneDx
Classification: Uncertain significance. Last evaluated: 2019-06-04. Review status: criteria provided, single submitter. Criteria: GeneDx Variant Classification Process June 2021. Collection method: clinical testing. Allele origin: germline. Affected: yes.
Comment: Not observed in large population cohorts (Lek et al., 2016); In silico analysis, which includes protein predictors and evolutionary conservation, supports that this variant does not alter protein structure/function; Has not been previously published as pathogenic or benign to our knowledge